The following is an entry in ClinVar:

ClinVar aggregate classification (germline): Uncertain significance (1 of 4 stars; one submission).

Submission:

Labcorp Genetics (formerly Invitae), Labcorp
Classification: Uncertain significance. Last evaluated: 2025-02-05. Review status: criteria provided, single submitter. Criteria: Invitae Variant Classification Sherloc (09022015). Collection method: clinical testing. Allele origin: germline.
Comment: This sequence change replaces leucine, which is neutral and non-polar, with arginine, which is basic and polar, at codon 395 of the ALPK3 protein (p.Leu395Arg). This variant is not present in population databases (gnomAD no frequency). This variant has not been reported in the literature in individuals affected with ALPK3-related conditions. ClinVar contains an entry for this variant (Variation ID: 2758391). Invitae Evidence Modeling of protein sequence and biophysical properties (such as structural, functional, and spatial information, amino acid conservation, physicochemical variation, residue mobility, and thermodynamic stability) indicates that this missense variant is not expected to disrupt ALPK3 protein function with a negative predictive value of 80%. In summary, the available evidence is currently insufficient to determine the role of this variant in disease. Therefore, it has been classified as a Variant of Uncertain Significance.

NM_020778.5(ALPK3):c.578T>G (p.Leu193Arg)

Gene: ALPK3 (alpha kinase 3; plus strand). Cytogenetic location: 15q25.3.
Variant type: single nucleotide variant.
Coding change: c.578T>G on transcript NM_020778.5 (MANE Select); coding-DNA position 578, T replaced by G.
Protein change: p.Leu193Arg; replaces leucine 193 with arginine.
Molecular consequence: missense variant.
Genome position (GRCh38, 1-based): chr15:84,839,857, T>G. VCF-style: chr15-84839857-T-G. GRCh37 (hg19) VCF-style: chr15-85383088-T-G.
Other names: short protein forms L193R.
Identifiers: ClinVar variation 2758391 (VCV002758391.3), dbSNP rs1963636959, ClinGen allele CA393372957.
Genomic context (GRCh38, chr15:84,839,857, plus strand): 5'-CTGAGTACAAGATCCACCAGCGCTGGTTCGCCAAGTTGAAGCGCAAGGCTGCGGCAAAGC[T>G]GCGCGAGATCGAGCAGAGCTGGAAGCACGAGAAGGCGGTGCCTGGGGAGGTCGACACTCT-3'
Protein context (NP_065829.4, residues 183-203): AKLKRKAAAK[Leu193Arg]REIEQSWKHE